The following is an entry in ClinVar:

NM_203447.4(DOCK8):c.4626+1G>A

Gene: DOCK8 (dedicator of cytokinesis 8; plus strand). Cytogenetic location: 9p24.3.
Variant type: single nucleotide variant.
Coding change: c.4626+1G>A on transcript NM_203447.4 (MANE Select); the canonical splice donor site of the intron after coding-DNA position 4626, G replaced by A.
Molecular consequence: splice donor variant.
Genome position (GRCh38, 1-based): chr9:429,855, G>A. VCF-style: chr9-429855-G-A. GRCh37 (hg19) VCF-style: chr9-429855-G-A.
Other names: c.4422+1G>A (NM_001193536.2); c.4326+1G>A (NM_001190458.2).
Identifiers: ClinVar variation 2671793 (VCV002671793.1), dbSNP rs1237936911, ClinGen allele CA372766560.

ClinVar aggregate classification (germline): Likely pathogenic (1 of 4 stars; one submission).

Conditions:
Combined immunodeficiency due to DOCK8 deficiency (HIES2). Also called: HIES autosomal recessive; DOCK8 Deficiency; Hyper-IgE recurrent infection syndrome, autosomal recessive; HYPER-IgE RECURRENT INFECTION SYNDROME 2, AUTOSOMAL RECESSIVE; HYPER-IgE SYNDROME 2, AUTOSOMAL RECESSIVE, WITH RECURRENT INFECTIONS. Identifiers: Orphanet 217390, MedGen C4722305, MONDO:0009478, OMIM 243700.

Submission:

Neuberg Centre For Genomic Medicine, NCGM
Classification: Likely pathogenic for Combined immunodeficiency due to DOCK8 deficiency. Last evaluated: 2023-03-01. Review status: criteria provided, single submitter. Criteria: ACMG Guidelines, 2015. Collection method: clinical testing. Allele origin: germline. Inheritance: Autosomal recessive inheritance. Affected: yes.
Comment: The invariant splice donor c.4626+1G>A in DOCK8 gene has not been reported previously as a pathogenic variant nor as a benign variant, to our knowledge. The c.4626+1G>A variant has allele frequency 0% in gnomAD Exomes and is novel (not in any individuals) in 1000 Genomes. This variant has not been reported to the ClinVar database. Loss of function variants have been previously reported to be disease causing. For these reasons, this variant has been classified as Likely Pathogenic.